The following is an entry in ClinVar:

NM_004360.5(CDH1):c.61C>A (p.Leu21Ile)

Gene: CDH1 (cadherin 1; plus strand). Cytogenetic location: 16q22.1.
Variant type: single nucleotide variant.
Coding change: c.61C>A on transcript NM_004360.5 (MANE Select); coding-DNA position 61, C replaced by A.
Protein change: p.Leu21Ile; replaces leucine 21 with isoleucine.
Molecular consequence: missense variant. On other transcripts: 5 prime UTR variant (2).
Genome position (GRCh38, 1-based): chr16:68,738,309, C>A. VCF-style: chr16-68738309-C-A. GRCh37 (hg19) VCF-style: chr16-68772212-C-A.
Other names: c.61C>A (LRG_301t1); c.61C>A, p.Leu21Ile (NM_001317184.2); c.-1555C>A (NM_001317185.2); c.-1759C>A (NM_001317186.2); short protein forms L21I.
Identifiers: ClinVar variation 234812 (VCV000234812.13), dbSNP rs863224729, ClinGen allele CA10577531.

ClinVar aggregate classification (germline): Uncertain significance. Review status: reviewed by expert panel (3 of 4 stars). 3 submissions from 3 submitters: Uncertain significance (1). 2 of the submissions do not count toward it. Last evaluated 2023-08-21.

Conditions:
CDH1-related diffuse gastric and lobular breast cancer syndrome. Also called: CDH1-related diffuse gastric and lobular breast cancer. Identifiers: MedGen CN311521, MONDO:0100488.
Hereditary diffuse gastric adenocarcinoma (HDGC). Also called: DIFFUSE GASTRIC AND LOBULAR BREAST CANCER SYNDROME. Identifiers: Orphanet 26106, MedGen C1708349, MONDO:0007648, OMIM 137215.

Submissions (3):

Clingen Gastric Cancer Variant Curation Expert Panel
Classification: Uncertain significance for CDH1-related diffuse gastric and lobular breast cancer syndrome. Last evaluated: 2023-08-21. Review status: reviewed by expert panel. Criteria: ClinGen CDH1 ACMG Specifications V3.1. Collection method: curation. Allele origin: germline. Inheritance: Autosomal dominant inheritance.
Comment: The c.61C>A (p.Leu21Ile) variant results in a non-synonymous amino acid change in exon 2. The A allele has not been observed in the gnomAD population database (PM2_Supporting). This variant has been observed in at least three individuals without DGC, SRC tumours and whose families do not suggest HDGC (BS2_supporting; SCV000760847.1, SCV000279855.9) In summary, the clinical significance of this variant is uncertain based on ACMG/AMP criteria applied as specified by the CDH1 Variant Curation Expert Panel (Variant Interpretation Guidelines Version 3.1): PM2_Supporting, BS2_supporting.

Labcorp Genetics (formerly Invitae), Labcorp
Classification: Uncertain significance for Hereditary diffuse gastric adenocarcinoma. Last evaluated: 2023-10-23. Review status: criteria provided, single submitter. Criteria: Invitae Variant Classification Sherloc (09022015). Collection method: clinical testing. Allele origin: germline. Not counted in ClinVar's aggregate classification.
Comment: This sequence change replaces leucine, which is neutral and non-polar, with isoleucine, which is neutral and non-polar, at codon 21 of the CDH1 protein (p.Leu21Ile). This variant is not present in population databases (gnomAD no frequency). This variant has not been reported in the literature in individuals affected with CDH1-related conditions. ClinVar contains an entry for this variant (Variation ID: 234812). An algorithm developed to predict the effect of missense changes on protein structure and function (PolyPhen-2) suggests that this variant is likely to be tolerated. In summary, the available evidence is currently insufficient to determine the role of this variant in disease. Therefore, it has been classified as a Variant of Uncertain Significance.

GeneDx
Classification: Uncertain significance. Last evaluated: 2018-08-16. Review status: criteria provided, single submitter. Criteria: GeneDx Variant Classification (06012015). Collection method: clinical testing. Allele origin: germline. Affected: yes. Not counted in ClinVar's aggregate classification.
Comment: This variant is denoted CDH1 c.61C>A at the cDNA level, p.Leu21Ile (L21I) at the protein level, and results in the change of a Leucine to an Isoleucine (CTC>ATC). This variant has not, to our knowledge, been published in the literature as a pathogenic or benign germline variant. CDH1 Leu21Ile was not observed in large population cohorts (Lek 2016). This variant is located in the protein signal peptide (Brooks-Wilson 2004). In silico analysis, which includes protein predictors and evolutionary conservation, supports that this variant does not alter protein structure/function. Based on currently available evidence, it is unclear whether CDH1 Leu21Ile is a pathogenic or benign variant. We consider it to be a variant of uncertain significance.